The following is an entry in ClinVar:

ClinVar aggregate classification (germline): Uncertain significance (1 of 4 stars; one submission).

Conditions:
Inborn genetic diseases. Identifiers: MedGen C0950123, MeSH D030342.

gnomAD v4.1: 19 of 1,614,040 alleles (0.0012%); highest among the groups gnomAD compares: East Asian, 0.0022%; no homozygotes.

Submission:

Ambry Genetics
Classification: Uncertain significance for Inborn genetic diseases. Last evaluated: 2026-02-17. Review status: criteria provided, single submitter. Criteria: Ambry Variant Classification Scheme 2023. Collection method: clinical testing. Allele origin: germline.
Comment: The c.3238C>T (p.L1080F) alteration is located in exon 9 (coding exon 7) of the ANKRD11 gene. This alteration results from a C to T substitution at nucleotide position 3238, causing the leucine (L) at amino acid position 1080 to be replaced by a phenylalanine (F). Based on data from gnomAD, the T allele has an overall frequency of <0.001% (1/251396) total alleles studied. The highest observed frequency was 0.001% (1/113754) of European (non-Finnish) alleles. Based on insufficient or conflicting evidence, the clinical significance of this alteration remains unclear.

NM_013275.6(ANKRD11):c.3238C>T (p.Leu1080Phe)

Gene: ANKRD11 (ankyrin repeat domain 11; minus strand). Cytogenetic location: 16q24.3.
Variant type: single nucleotide variant.
Coding change: c.3238C>T on transcript NM_013275.6 (MANE Select); coding-DNA position 3238, C replaced by T.
Protein change: p.Leu1080Phe; replaces leucine 1080 with phenylalanine.
Molecular consequence: missense variant.
Genome position (GRCh38, 1-based): chr16:89,283,304, G>A on the plus strand (C>T on the coding strand, the complement: ANKRD11 is on the minus strand). VCF-style: chr16-89283304-G-A. GRCh37 (hg19) VCF-style: chr16-89349712-G-A.
Other names: c.3238C>T, p.Leu1080Phe (NM_001256182.2, NM_001256183.2); short protein forms L1080F.
Identifiers: ClinVar variation 4839959 (VCV004839959.1).